The following is an entry in ClinVar:

ClinVar aggregate classification (germline): Pathogenic/Likely pathogenic. Review status: criteria provided, multiple submitters, no conflicts (2 of 4 stars). 2 submissions from 2 submitters: Pathogenic (1); Likely pathogenic (1). Last evaluated 2024-08-10.

Conditions:
Arrhythmogenic right ventricular dysplasia 10. Also called: Arrhythmogenic right ventricular dysplasia/cardiomyopathy, type 10; Arrhythmogenic Right Ventricular Dysplasia/Cardiomyopathy10; ARRHYTHMOGENIC RIGHT VENTRICULAR DYSPLASIA, FAMILIAL, 10. Identifiers: MedGen C1857777, MONDO:0012434, OMIM 610193.

gnomAD v4.1: 2 of 1,602,632 alleles (0.00012%); highest among the groups gnomAD compares: South Asian, 0.0023%; no homozygotes.

Submissions (2):

Labcorp Genetics (formerly Invitae), Labcorp
Classification: Pathogenic for Arrhythmogenic right ventricular dysplasia 10. Last evaluated: 2024-08-10. Review status: criteria provided, single submitter. Criteria: Invitae Variant Classification Sherloc (09022015). Collection method: clinical testing. Allele origin: germline.
Comment: This sequence change affects a donor splice site in intron 5 of the DSG2 gene. It is expected to disrupt RNA splicing. Variants that disrupt the donor or acceptor splice site typically lead to a loss of protein function (PMID: 16199547), and loss-of-function variants in DSG2 are known to be pathogenic (PMID: 17105751, 31386562). The frequency data for this variant in the population databases is considered unreliable, as metrics indicate poor data quality at this position in the gnomAD database. Disruption of this splice site has been observed in individuals with Arrhythmogenic right ventricular cardiomyopathy (PMID: 27532257, 30731207, 30790397, 31638835). ClinVar contains an entry for this variant (Variation ID: 1325803). Algorithms developed to predict the effect of sequence changes on RNA splicing suggest that this variant may disrupt the consensus splice site. For these reasons, this variant has been classified as Pathogenic.

Institute of Human Genetics, University of Leipzig Medical Center
Classification: Likely pathogenic for Arrhythmogenic right ventricular dysplasia 10. Last evaluated: 2021-10-27. Review status: criteria provided, single submitter. Criteria: ACMG Guidelines, 2015. Collection method: clinical testing. Allele origin: unknown.
Comment: _x000D_ Criteria applied: PVS1, PM2_SUP

Literature cited by the submitters: PubMed 16199547 (cited by Labcorp Genetics (formerly Invitae), Labcorp); PubMed 17105751 (cited by Labcorp Genetics (formerly Invitae), Labcorp); PubMed 31386562 (cited by Labcorp Genetics (formerly Invitae), Labcorp); PubMed 27532257 (cited by Labcorp Genetics (formerly Invitae), Labcorp); PubMed 30731207 (cited by Labcorp Genetics (formerly Invitae), Labcorp); PubMed 30790397 (cited by Labcorp Genetics (formerly Invitae), Labcorp); PubMed 31638835 (cited by Labcorp Genetics (formerly Invitae), Labcorp).

NM_001943.5(DSG2):c.523+1G>T

Gene: DSG2 (desmoglein 2; plus strand). Cytogenetic location: 18q12.1.
Variant type: single nucleotide variant.
Coding change: c.523+1G>T on transcript NM_001943.5 (MANE Select); the canonical splice donor site of the intron after coding-DNA position 523, G replaced by T.
Molecular consequence: splice donor variant.
Genome position (GRCh38, 1-based): chr18:31,521,244, G>T. VCF-style: chr18-31521244-G-T. GRCh37 (hg19) VCF-style: chr18-29101207-G-T.
Identifiers: ClinVar variation 1325803 (VCV001325803.3), dbSNP rs553299589, ClinGen allele CA049167.